The following is an entry in ClinVar:

NM_024642.5(GALNT12):c.11G>A (p.Arg4His)

Gene: GALNT12 (polypeptide N-acetylgalactosaminyltransferase 12; plus strand). Cytogenetic location: 9q22.33.
Variant type: single nucleotide variant.
Coding change: c.11G>A on transcript NM_024642.5 (MANE Select); coding-DNA position 11, G replaced by A.
Protein change: p.Arg4His; replaces arginine 4 with histidine.
Molecular consequence: missense variant.
Genome position (GRCh38, 1-based): chr9:98,807,709, G>A. VCF-style: chr9-98807709-G-A. GRCh37 (hg19) VCF-style: chr9-101569991-G-A.
Other names: short protein forms R4H.
Identifiers: ClinVar variation 663569 (VCV000663569.17), dbSNP rs1186134407, ClinGen allele CA374222000.
Genomic context (GRCh38, chr9:98,807,709, plus strand): 5'-TCCACCGCCGCCTTGGGGCGCGCAGATCGCTGGCTGCAGTTGGCGGGCGCATGTGGGGGC[G>A]CACGGCGCGGCGGCGCTGCCCGCGGGAACTGCGGCGCGGCCGGGAGGCGCTGTTGGTGCT-3'
Protein context (NP_078918.3, residues 1-14): MWG[Arg4His]TARRRCPREL

ClinVar aggregate classification (germline): Uncertain significance. Review status: criteria provided, multiple submitters, no conflicts (2 of 4 stars). 4 submissions from 4 submitters: Uncertain significance (4). Last evaluated 2025-10-03.

Conditions:
Colorectal cancer, susceptibility to, 1. Also called: COLORECTAL ADENOMA AND CANCER, SUSCEPTIBILITY TO; COLORECTAL CANCER, SUSCEPTIBILITY TO, ON CHROMOSOME 9. Identifiers: MedGen C1837315, MONDO:0012132, OMIM 608812.

Allele frequency attached by ClinVar (database versions not stated): gnomAD 0.00002; TOPMed 0.00002; gnomAD exomes 0.00004.
gnomAD v4.1: 10 of 1,155,880 alleles (0.00087%); highest among the groups gnomAD compares: South Asian, 0.0032%; no homozygotes.

Submissions (4):

Ambry Genetics
Classification: Uncertain significance. Last evaluated: 2025-10-03. Review status: criteria provided, single submitter. Criteria: Ambry Variant Classification Scheme 2023. Collection method: clinical testing. Allele origin: germline.
Comment: The p.R4H variant (also known as c.11G>A), located in coding exon 1 of the GALNT12 gene, results from a G to A substitution at nucleotide position 11. The arginine at codon 4 is replaced by histidine, an amino acid with highly similar properties. This amino acid position is well conserved in available vertebrate species. In addition, this alteration is predicted to be tolerated by in silico analysis. Since supporting evidence is limited at this time, the clinical significance of this alteration remains unclear.

Quest Diagnostics Nichols Institute San Juan Capistrano
Classification: Uncertain significance. Last evaluated: 2024-05-16. Review status: criteria provided, single submitter. Criteria: Quest Diagnostics criteria. Collection method: clinical testing. Allele origin: unknown.
Comment: The GALNT12 c.11G>A (p.Arg4His) variant has not been reported in individuals with GALNT12-related conditions in the published literature. The frequency of this variant in the general population, 0.000044 (3/67462 chromosomes (Genome Aggregation Database)), is uninformative in the assessment of its pathogenicity. Analysis of this variant using bioinformatics tools for the prediction of the effect of amino acid changes on protein structure and function yielded predictions that this variant is benign. Based on the available information, we are unable to determine the clinical significance of this variant.

Baylor Genetics
Classification: Uncertain significance for Colorectal cancer, susceptibility to, 1. Last evaluated: 2024-03-11. Review status: criteria provided, single submitter. Criteria: ACMG Guidelines, 2015. Collection method: clinical testing. Allele origin: unknown.

Labcorp Genetics (formerly Invitae), Labcorp
Classification: Uncertain significance. Last evaluated: 2018-07-24. Review status: criteria provided, single submitter. Criteria: Invitae Variant Classification Sherloc (09022015). Collection method: clinical testing. Allele origin: germline.
Comment: This sequence change replaces arginine with histidine at codon 4 of the GALNT12 protein (p.Arg4His). The arginine residue is weakly conserved and there is a small physicochemical difference between arginine and histidine. While this variant is not present in population databases, the frequency information is unreliable, as metrics indicate poor data quality at this position in the ExAC database. This variant has not been reported in the literature in individuals with GALNT12-related disease. In summary, the available evidence is currently insufficient to determine the role of this variant in disease. Therefore, it has been classified as a Variant of Uncertain Significance.